The following is an entry in ClinVar:

NC_000016.9:g.(?_8839838)_(8870367_?)del

Gene: ABAT (4-aminobutyrate aminotransferase; plus strand). Cytogenetic location: 16p13.2.
Variant type: Deletion.
Identifiers: ClinVar variation 2426571 (VCV002426571.5).

ClinVar aggregate classification (germline): Pathogenic (1 of 4 stars; one submission).

Conditions:
Gamma-aminobutyric acid transaminase deficiency (GABATD). Also called: GABA transaminase deficiency; Gamma aminobutyrate transaminase deficiency; 4 alpha aminobutyrate transaminase deficiency; GABA aminotransaminase deficiency. Identifiers: Orphanet 2066, MedGen C0342708, MONDO:0013166, OMIM 613163.

Submission:

Labcorp Genetics (formerly Invitae), Labcorp
Classification: Pathogenic for Gamma-aminobutyric acid transaminase deficiency. Last evaluated: 2022-02-09. Review status: criteria provided, single submitter. Criteria: Invitae Variant Classification Sherloc (09022015). Collection method: clinical testing. Allele origin: germline.
Comment: For these reasons, this variant has been classified as Pathogenic. This variant has not been reported in the literature in individuals affected with ABAT-related conditions. This variant is a gross deletion of the genomic region encompassing exon(s) 3-14 of the ABAT gene. This deletion is out-of-frame, and is expected to create a premature termination codon and result in an absent or disrupted protein product. Loss-of-function variants in ABAT are known to be pathogenic (PMID: 20052547, 25738457).

Literature cited by the submitters: PubMed 20052547; PubMed 25738457.